The following is an entry in ClinVar:

NM_194248.3(OTOF):c.1126G>A (p.Asp376Asn)

Gene: OTOF (otoferlin; minus strand). Cytogenetic location: 2p23.3.
Variant type: single nucleotide variant.
Coding change: c.1126G>A on transcript NM_194248.3 (MANE Select); coding-DNA position 1126, G replaced by A.
Protein change: p.Asp376Asn; replaces aspartic acid 376 with asparagine.
Molecular consequence: missense variant.
Genome position (GRCh38, 1-based): chr2:26,484,553, C>T on the plus strand (G>A on the coding strand, the complement: OTOF is on the minus strand). VCF-style: chr2-26484553-C-T. GRCh37 (hg19) VCF-style: chr2-26707421-C-T.
Other names: c.1126G>A, p.Asp376Asn (NM_001287489.2); short protein forms D376N.
Identifiers: ClinVar variation 1806149 (VCV001806149.1), dbSNP rs771573829, ClinGen allele CA1564375.

ClinVar aggregate classification (germline): Uncertain significance (1 of 4 stars; one submission).

Conditions:
Autosomal recessive nonsyndromic hearing loss 9. Also called: Deafness, autosomal recessive 9; OTOF-Related Hearing Loss; NEUROSENSORY NONSYNDROMIC RECESSIVE DEAFNESS 9; AUDITORY NEUROPATHY, AUTOSOMAL RECESSIVE, 1, TEMPERATURE-SENSITIVE. Identifiers: Orphanet 90636, MedGen C1832828, MONDO:0010986, OMIM 601071.

Allele frequency attached by ClinVar (database versions not stated): ExAC 0.00001; gnomAD 0.00001; TOPMed 0.00001; gnomAD exomes 0.00002.
gnomAD v4.1: 31 of 1,613,888 alleles (0.0019%); highest among the groups gnomAD compares: Non-Finnish European, 0.0025%; no homozygotes.

Submission:

Victorian Clinical Genetics Services, Murdoch Childrens Research Institute
Classification: Uncertain significance for Autosomal recessive nonsyndromic hearing loss 9. Last evaluated: 2019-08-28. Review status: criteria provided, single submitter. Criteria: ACMG Guidelines, 2015. Collection method: clinical testing. Allele origin: germline. Inheritance: Autosomal recessive inheritance. Affected: yes.
Comment: A heterozygous missense variant, NM_194248.2(OTOF):c.1126G>A, has been identified in exon 12 of 47 of the OTOF gene. The variant is predicted to result in a minor amino acid change from aspartic acid to asparagine at position 376 of the protein (NP_919224.1(OTOF):p.(Asp376Asn)). The aspartic acid residue at this position has very high conservation (100 vertebrates, UCSC), and is located within the FerI functional domain. In silico predictions of pathogenicity for this variant are conflicting (Polyphen, SIFT, CADD, Mutation Taster). The variant is present in the database at a frequency of 0.0016% (4 heterozygotes, 0 homozygotes). The variant has been previously described as a VUS (Deafnessvariationdatabase). Based on the information available at the time of curation, this variant has been classified as a VARIANT of UNCERTAIN SIGNIFICANCE (VUS).